The following is an entry in ClinVar:

NC_000013.11:g.113752689T>C

Gene: TMEM255B (transmembrane protein 255B; plus strand). Cytogenetic location: 13q34.
Variant type: single nucleotide variant.
Genome position: GRCh38 VCF-style: chr13-113752689-T-C. GRCh37 (hg19) VCF-style: chr13-114455662-T-C.
Identifiers: ClinVar variation 2644014 (VCV002644014.24), dbSNP rs371516354, ClinGen allele CA257169659.

ClinVar aggregate classification (germline): Likely benign (1 of 4 stars; one submission).

Allele frequency attached by ClinVar (database versions not stated): gnomAD 0.00080.

Submission:

CeGaT Center for Human Genetics Tuebingen
Classification: Likely benign. Last evaluated: 2023-02-01. Review status: criteria provided, single submitter. Criteria: CeGaT Center For Human Genetics Tuebingen Variant Classification Criteria Version 2. Collection method: clinical testing. Allele origin: germline. Affected: yes. Observed: 1 variant allele.
Comment: TMEM255B: BS2